The following is an entry in ClinVar:

ClinVar aggregate classification (germline): Pathogenic (1 of 4 stars; one submission).

Conditions:
Hereditary cancer-predisposing syndrome. Also called: Hereditary Cancer Syndrome; Neoplastic Syndromes, Hereditary; Hereditary neoplastic syndrome; Tumor predisposition. Identifiers: Orphanet 140162, MedGen C0027672, MeSH D009386, MONDO:0015356.

Submission:

Ambry Genetics
Classification: Pathogenic for Hereditary cancer-predisposing syndrome. Last evaluated: 2016-08-09. Review status: criteria provided, single submitter. Criteria: Ambry Variant Classification Scheme 2023. Collection method: clinical testing. Allele origin: germline.
Comment: The c.762dupA pathogenic mutation, located in coding exon 7 of the APC gene, results from a duplication of A at nucleotide position 762, causing a translational frameshift with a predicted alternate stop codon. This alteration is expected to result in loss of function by premature protein truncation or nonsense-mediated mRNA decay. As such, this alteration is interpreted as a disease-causing mutation.

NM_000038.6(APC):c.762dup (p.His255fs)

Gene: APC (APC regulator of Wnt signaling pathway; plus strand). Cytogenetic location: 5q22.2.
Variant type: Duplication.
Coding change: c.762dup on transcript NM_000038.6 (MANE Select); coding-DNA position 762, one base duplicated (A; older notation c.762dupA).
Protein change: p.His255fs; shifts the reading frame from histidine 255.
Molecular consequence: frameshift variant. On other transcripts: 5 prime UTR variant (1).
Genome position (GRCh38, 1-based): chr5:112,801,311, A duplicated. VCF-style (leftmost placement, unchanged base first): chr5-112801310-C-CA. GRCh37 (hg19) VCF-style: chr5-112137007-C-CA.
Other names: c.762dup, p.His255fs (NM_001127510.3, NM_001354895.2, NM_001354896.2 and 1 more transcripts); c.708dup, p.His237fs (NM_001127511.3); c.792dup, p.His265fs (NM_001354897.2, NM_001354902.2); c.687dup, p.His230fs (NM_001354898.2, NM_001354904.2); c.678dup, p.His227fs (NM_001354899.2); c.585dup, p.His196fs (NM_001354900.2, NM_001354901.2, NM_001354905.2); c.-274dup (NM_001354906.2); c.762dupA (NM_000038.5); short protein forms H196fs, H230fs, H227fs, H237fs, H255fs, H265fs.
Identifiers: ClinVar variation 428173 (VCV000428173.5), dbSNP rs1114167608, ClinGen allele CA645369360.